The following is an entry in ClinVar:

NM_002539.3(ODC1):c.1241+3A>T

Gene: ODC1 (ornithine decarboxylase 1; minus strand). Cytogenetic location: 2p25.1.
Variant type: single nucleotide variant.
Coding change: c.1241+3A>T on transcript NM_002539.3 (MANE Select); 3 bases into the intron after coding-DNA position 1241, A replaced by T.
Molecular consequence: intron variant.
Genome position (GRCh38, 1-based): chr2:10,441,506, T>A on the plus strand (A>T on the coding strand, the complement: ODC1 is on the minus strand). VCF-style: chr2-10441506-T-A. GRCh37 (hg19) VCF-style: chr2-10581632-T-A.
Other names: c.854+3A>T (NM_001287188.2); c.1241+3A>T (NM_001287190.2, NM_001287189.2).
Identifiers: ClinVar variation 4535947 (VCV004535947.1).

ClinVar aggregate classification (germline): Uncertain significance (1 of 4 stars; one submission).

Submission:

Women's Health and Genetics/Laboratory Corporation of America, LabCorp
Classification: Uncertain significance. Last evaluated: 2025-09-26. Review status: criteria provided, single submitter. Criteria: LabCorp Variant Classification Summary - May 2015. Collection method: clinical testing. Allele origin: germline.
Comment: Variant summary: ODC1 c.1241+3A>T alters a conserved nucleotide located close to a canonical splice site and therefore could affect mRNA splicing, leading to a significantly altered protein sequence. Several computational tools predict a significant impact on normal splicing: Four predict the variant weakens a 5' donor site. However, these predictions have yet to be confirmed by functional studies. The variant was absent in 248940 control chromosomes (gnomAD). The available data on variant occurrences in the general population are insufficient to allow any conclusion about variant significance. To our knowledge, no occurrence of c.1241+3A>T in individuals affected with ODC1-related conditions and no experimental evidence demonstrating its impact on protein function have been reported. No submitters have cited clinical-significance assessments for this variant to ClinVar. Based on the evidence outlined above, the variant was classified as uncertain significance.